The following is an entry in ClinVar:

NM_000448.3(RAG1):c.691C>T (p.Gln231Ter)

Gene: RAG1 (recombination activating 1; plus strand). Cytogenetic location: 11p12.
Variant type: single nucleotide variant.
Coding change: c.691C>T on transcript NM_000448.3 (MANE Select); coding-DNA position 691, C replaced by T.
Protein change: p.Gln231Ter; replaces glutamine 231 with a stop codon.
Molecular consequence: nonsense.
Genome position (GRCh38, 1-based): chr11:36,573,995, C>T. VCF-style: chr11-36573995-C-T. GRCh37 (hg19) VCF-style: chr11-36595545-C-T.
Other names: c.691C>T, p.Gln231Ter (NM_001377277.1, NM_001377278.1, NM_001377279.1 and 1 more transcripts); short protein forms Q231*.
Identifiers: ClinVar variation 2678203 (VCV002678203.5), dbSNP rs1257740588, ClinGen allele CA380149361.

ClinVar aggregate classification (germline): Pathogenic. Review status: criteria provided, multiple submitters, no conflicts (2 of 4 stars). 3 submissions from 3 submitters: Pathogenic (3). Last evaluated 2025-04-10.

Conditions:
Severe combined immunodeficiency, autosomal recessive, T cell-negative, B cell-negative, NK cell-positive. Also called: SCID, T CELL-NEGATIVE, B CELL-NEGATIVE, NK CELL-POSITIVE; SCID, AR, T-cell negative, B-cell negative, NK cell-positive; Severe combined immunodeficiency due to complete RAG1/2 deficiency. Identifiers: Orphanet 331206, MedGen C1832322, MONDO:0011086, OMIM 601457.
Combined immunodeficiency with skin granulomas. Identifiers: Orphanet 157949, MedGen C2673536, MONDO:0009306, OMIM 233650.
Severe combined immunodeficiency disease. Also called: Severe combined immunodeficiency; Severe Combined Immune Deficiency. Identifiers: Orphanet 183660, MedGen C0085110, MeSH D016511, MONDO:0015974, HP:0004430. Inheritance: X-Linked or Autosomal recessive.
Combined immunodeficiency due to partial RAG1 deficiency. Identifiers: Orphanet 231154, MedGen C1835931, MONDO:0012359, OMIM 609889.

Allele frequency attached by ClinVar (database versions not stated): gnomAD exomes below 0.00001; TOPMed below 0.00001; gnomAD 0.00001.
gnomAD v4.1: 2 of 1,614,058 alleles (0.00012%); highest among the groups gnomAD compares: Non-Finnish European, 0.00017%; no homozygotes.

Submissions (3):

Labcorp Genetics (formerly Invitae), Labcorp
Classification: Pathogenic for Combined immunodeficiency with skin granulomas; Severe combined immunodeficiency, autosomal recessive, T cell-negative, B cell-negative, NK cell-positive. Last evaluated: 2025-04-10. Review status: criteria provided, single submitter. Criteria: Invitae Variant Classification Sherloc (09022015). Collection method: clinical testing. Allele origin: germline.
Comment: This sequence change creates a premature translational stop signal (p.Gln231*) in the RAG1 gene. While this is not anticipated to result in nonsense mediated decay, it is expected to disrupt the last 813 amino acid(s) of the RAG1 protein. This variant is not present in population databases (gnomAD no frequency). This premature translational stop signal has been observed in individual(s) with RAG1-related conditions (PMID: 24144642). ClinVar contains an entry for this variant (Variation ID: 2678203). This variant disrupts a region of the RAG1 protein in which other variant(s) (p.Arg314Trp) have been determined to be pathogenic (PMID: 18463379, 24290284, 32445296). This suggests that this is a clinically significant region of the protein, and that variants that disrupt it are likely to be disease-causing. For these reasons, this variant has been classified as Pathogenic.

Women's Health and Genetics/Laboratory Corporation of America, LabCorp
Classification: Pathogenic for Severe combined immunodeficiency disease. Last evaluated: 2024-12-12. Review status: criteria provided, single submitter. Criteria: LabCorp Variant Classification Summary - May 2015. Collection method: clinical testing. Allele origin: germline.
Comment: Variant summary: RAG1 c.691C>T (p.Gln231X) results in a premature termination codon, predicted to cause a truncation of the encoded protein or absence of the protein due to nonsense mediated decay, which are commonly known mechanisms for disease. Truncations downstream of this position have been classified as pathogenic by our laboratory. The variant was absent in 250884 control chromosomes. c.691C>T has been reported in the literature in at least one compound heterozygous individual affected with Severe Combined Immunodeficiency (Schuetz_2014). To our knowledge, no experimental evidence demonstrating an impact on protein function has been reported. The following publication has been ascertained in the context of this evaluation (PMID: 24144642). ClinVar contains an entry for this variant (Variation ID: 2678203). Based on the evidence outlined above, the variant was classified as pathogenic.

Baylor Genetics
Classification: Pathogenic for Combined immunodeficiency due to partial RAG1 deficiency. Last evaluated: 2023-12-11. Review status: criteria provided, single submitter. Criteria: ACMG Guidelines, 2015. Collection method: clinical testing. Allele origin: unknown.

Literature cited by the submitters: PubMed 24144642 (cited by Labcorp Genetics (formerly Invitae), Labcorp and Women's Health and Genetics/Laboratory Corporation of America, LabCorp); PubMed 18463379 (cited by Labcorp Genetics (formerly Invitae), Labcorp); PubMed 24290284 (cited by Labcorp Genetics (formerly Invitae), Labcorp); PubMed 32445296 (cited by Labcorp Genetics (formerly Invitae), Labcorp).